The following is an entry in ClinVar:

ClinVar aggregate classification (germline): Likely benign. Review status: criteria provided, multiple submitters, no conflicts (2 of 4 stars). 3 submissions from 3 submitters: Likely benign (3). Last evaluated 2025-04-06.

Conditions:
Catecholaminergic polymorphic ventricular tachycardia (CVPT). Also called: Catecholamine-induced polymorphic ventricular tachycardia. Identifiers: Orphanet 3286, MedGen C5574922, MONDO:0017990.
Cardiomyopathy (CMYO). Also called: Cardiomyopathies. Identifiers: Orphanet 167848, MedGen C0878544, MONDO:0004994, HP:0001638. Inheritance: Various modes of inheritance.
Catecholaminergic polymorphic ventricular tachycardia 1. Also called: VENTRICULAR TACHYCARDIA, CATECHOLAMINERGIC POLYMORPHIC, 1, WITH OR WITHOUT ATRIAL DYSFUNCTION AND/OR DILATED CARDIOMYOPATHY; RYR2-Related Catecholaminergic Polymorphic Ventricular Tachycardia; VENTRICULAR TACHYCARDIA, STRESS-INDUCED POLYMORPHIC 1. Identifiers: Orphanet 3286, MedGen C1631597, MONDO:0011484, OMIM 604772.

Allele frequency attached by ClinVar (database versions not stated): gnomAD exomes below 0.00001 and 0.00001; gnomAD 0.00001; ExAC 0.00002.
gnomAD v4.1: 4 of 1,607,066 alleles (0.00025%); highest among the groups gnomAD compares: Non-Finnish European, 0.00034%; no homozygotes.

Submissions (3):

Labcorp Genetics (formerly Invitae), Labcorp
Classification: Likely benign for Catecholaminergic polymorphic ventricular tachycardia 1. Last evaluated: 2025-04-06. Review status: criteria provided, single submitter. Criteria: Invitae Variant Classification Sherloc (09022015). Collection method: clinical testing. Allele origin: germline.

All of Us Research Program, National Institutes of Health
Classification: Likely benign for Catecholaminergic polymorphic ventricular tachycardia. Last evaluated: 2023-07-22. Review status: criteria provided, single submitter. Criteria: ACMG Guidelines, 2015. Collection method: clinical testing. Allele origin: germline. Inheritance: Autosomal dominant inheritance. Observed: 1 variant allele, 1 heterozygote.
Comment: This study involves interpretation of variants in research participants for the purpose of population health screening. Participant phenotype was not available at the time of variant classification. Additional details can be found in publication PMID: 35346344, PMCID: PMC8962531

Color Diagnostics, LLC DBA Color Health
Classification: Likely benign for Cardiomyopathy. Last evaluated: 2019-10-15. Review status: criteria provided, single submitter. Criteria: ACMG Guidelines, 2015. Collection method: clinical testing. Allele origin: germline.

NM_001035.3(RYR2):c.10956A>G (p.Pro3652=)

Gene: RYR2 (ryanodine receptor 2; plus strand). Cytogenetic location: 1q43.
Variant type: single nucleotide variant.
Coding change: c.10956A>G on transcript NM_001035.3 (MANE Select); coding-DNA position 10956, A replaced by G.
Protein change: p.Pro3652=; no amino-acid change (proline 3652 retained).
Molecular consequence: synonymous variant.
Genome position (GRCh38, 1-based): chr1:237,732,066, A>G. VCF-style: chr1-237732066-A-G. GRCh37 (hg19) VCF-style: chr1-237895366-A-G.
Identifiers: ClinVar variation 923019 (VCV000923019.12), dbSNP rs765137450, ClinGen allele CA084635.
Genomic context (GRCh38, chr1:237,732,066, plus strand): 5'-TTTTTTAATGTGACATTTTATAAATTTGACTTTTTTGCAGAAACCTGGGGCTGAACCTCC[A>G]GAAGAAGATGAAGGCACTAAGAGAGTTGATCCTCTACATCAGCTGATCCTTCTGTTTAGT-3'
Protein context (NP_001026.2, residues 3642-3662): EDLAKPGAEP[Pro3652=]EEDEGTKRVD